The following is an entry in ClinVar:

ClinVar aggregate classification (germline): Uncertain significance (1 of 4 stars; one submission).

Conditions:
Inborn genetic diseases. Identifiers: MedGen C0950123, MeSH D030342.

gnomAD v4.1: 1 of 1,612,776 alleles (0.000062%); highest among the groups gnomAD compares: Non-Finnish European, 0.000085%; no homozygotes.

Submission:

Ambry Genetics
Classification: Uncertain significance for Inborn genetic diseases. Last evaluated: 2025-10-08. Review status: criteria provided, single submitter. Criteria: Ambry Variant Classification Scheme 2023. Collection method: clinical testing. Allele origin: germline.
Comment: The p.V440A variant (also known as c.1319T>C), located in coding exon 7 of the RECQL4 gene, results from a T to C substitution at nucleotide position 1319. The valine at codon 440 is replaced by alanine, an amino acid with similar properties. This amino acid position is conserved. In addition, this alteration is predicted to be tolerated by in silico analysis. Based on the available evidence, the clinical significance of this variant remains unclear.

NM_004260.4(RECQL4):c.1319T>C (p.Val440Ala)

Gene: RECQL4 (RecQ like helicase 4; minus strand). Cytogenetic location: 8q24.3.
Variant type: single nucleotide variant.
Coding change: c.1319T>C on transcript NM_004260.4 (MANE Select); coding-DNA position 1319, T replaced by C.
Protein change: p.Val440Ala; replaces valine 440 with alanine.
Molecular consequence: missense variant. On other transcripts: 5 prime UTR variant (1), non-coding transcript variant (3).
Genome position (GRCh38, 1-based): chr8:144,515,397, A>G on the plus strand (T>C on the coding strand, the complement: RECQL4 is on the minus strand). VCF-style: chr8-144515397-A-G. GRCh37 (hg19) VCF-style: chr8-145740781-A-G.
Other names: c.1223T>C, p.Val408Ala (NM_001413017.1, NM_001413020.1); c.1319T>C, p.Val440Ala (NM_001413018.1, NM_001413019.1, NM_001413033.1 and 2 more transcripts); c.248T>C, p.Val83Ala (NM_001413021.1, NM_001413022.1, NM_001413023.1 and 8 more transcripts); c.1190T>C, p.Val397Ala (NM_001413025.1); c.182T>C, p.Val61Ala (NM_001413027.1, NM_001413041.1, NM_001413030.1 and 2 more transcripts); c.968T>C, p.Val323Ala (NM_001413029.1); c.-149T>C (NM_001413043.1); short protein forms V408A, V61A, V440A, V323A, V397A, V83A.
Identifiers: ClinVar variation 4628943 (VCV004628943.1).